The following is an entry in ClinVar:

ClinVar aggregate classification (germline): Likely benign (1 of 4 stars; one submission).

gnomAD v4.1: 14 of 1,611,430 alleles (0.00087%); highest among the groups gnomAD compares: Middle Eastern, 0.017%; no homozygotes.

Submission:

CeGaT Center for Human Genetics Tuebingen
Classification: Likely benign. Last evaluated: 2026-03-01. Review status: criteria provided, single submitter. Criteria: CeGaT Center For Human Genetics Tuebingen Variant Classification Criteria Version 2. Collection method: clinical testing. Allele origin: germline. Affected: yes. Observed: 1 variant allele.
Comment: BICRA: BP4, BP7

NM_001394372.1(BICRA):c.3636C>T (p.Ile1212=)

Gene: BICRA (BRD4 interacting chromatin remodeling complex associated protein; plus strand). Cytogenetic location: 19q13.33.
Variant type: single nucleotide variant.
Coding change: c.3636C>T on transcript NM_001394372.1 (MANE Select); coding-DNA position 3636, C replaced by T.
Protein change: p.Ile1212=; no amino-acid change (isoleucine 1212 retained).
Molecular consequence: synonymous variant.
Genome position (GRCh38, 1-based): chr19:47,701,368, C>T. VCF-style: chr19-47701368-C-T. GRCh37 (hg19) VCF-style: chr19-48204625-C-T.
Other names: c.3636C>T, p.Ile1212= (NM_015711.3).
Identifiers: ClinVar variation 4821573 (VCV004821573.4).